The following is an entry in ClinVar:

NM_000138.5(FBN1):c.7477C>T (p.Gln2493Ter)

Gene: FBN1 (fibrillin 1; minus strand). Cytogenetic location: 15q21.1.
Variant type: single nucleotide variant.
Coding change: c.7477C>T on transcript NM_000138.5 (MANE Select); coding-DNA position 7477, C replaced by T.
Protein change: p.Gln2493Ter; replaces glutamine 2493 with a stop codon.
Molecular consequence: nonsense.
Genome position (GRCh38, 1-based): chr15:48,422,045, G>A on the plus strand (C>T on the coding strand, the complement: FBN1 is on the minus strand). VCF-style: chr15-48422045-G-A. GRCh37 (hg19) VCF-style: chr15-48714242-G-A.
Other names: short protein forms Q2493*.
Identifiers: ClinVar variation 936805 (VCV000936805.9), dbSNP rs2042947671, ClinGen allele CA392326130.

ClinVar aggregate classification (germline): Pathogenic (1 of 4 stars; one submission).

Conditions:
Familial thoracic aortic aneurysm and aortic dissection (TAAD). Also called: Thoracic aortic aneurysms and dissections. Identifiers: Orphanet 91387, MedGen C4707243, MONDO:0019625.
Marfan syndrome (MFS). Also called: Marfan syndrome, classic; Marfan syndrome type 1; Marfan's syndrome; FBN1-Related Marfan Syndrome; MARFAN SYNDROME, TYPE I. Identifiers: Orphanet 284963, Orphanet 558, MedGen C0024796, MONDO:0007947, OMIM 154700.

Submission:

Labcorp Genetics (formerly Invitae), Labcorp
Classification: Pathogenic for Marfan syndrome; Familial thoracic aortic aneurysm and aortic dissection. Last evaluated: 2019-07-19. Review status: criteria provided, single submitter. Criteria: Invitae Variant Classification Sherloc (09022015). Collection method: clinical testing. Allele origin: germline.
Comment: This variant has been observed in individuals affected with Marfan syndrome or aortic disease (PMID: 26787436, 27611364). This variant is not present in population databases (ExAC no frequency). This sequence change creates a premature translational stop signal (p.Gln2493*) in the FBN1 gene. It is expected to result in an absent or disrupted protein product. Algorithms developed to predict the effect of sequence changes on RNA splicing suggest that this variant may create or strengthen a splice site, but this prediction has not been confirmed by published transcriptional studies. For these reasons, this variant has been classified as Pathogenic. Loss-of-function variants in FBN1 are known to be pathogenic (PMID: 17657824, 19293843).

Literature cited by the submitters: PubMed 26787436; PubMed 27611364; PubMed 17657824; PubMed 19293843.